The following is an entry in ClinVar:

NC_012920.1(MT-ND4):m.12030A>G

Gene: MT-ND4 (mitochondrially encoded NADH dehydrogenase 4; plus strand).
Variant type: single nucleotide variant.
Genome position: chrM-12030-A-G.
Identifiers: ClinVar variation 693402 (VCV000693402.1), dbSNP rs1556424041, ClinGen allele CA414812169.

ClinVar aggregate classification (germline): Benign (1 of 4 stars; one submission).

Conditions:
Leigh syndrome (NULS). Also called: Leigh's necrotizing encephalopathy; Leigh's disease; Leigh Syndrome (mtDNA deletion); Leigh Disease; Subacute necrotizing encephalopathy; Necrotizing encephalopathy infantile subacute of Leigh. Identifiers: Orphanet 506, MedGen C2931891, MONDO:0009723, OMIM 256000.

Submission:

Wong Mito Lab, Molecular and Human Genetics, Baylor College of Medicine
Classification: Benign for Leigh syndrome. Last evaluated: 2019-10-17. Review status: criteria provided, single submitter. Criteria: Modified ACMG Guidelines (Unpublished). Collection method: clinical testing. Allele origin: germline.
Comment: The NC_012920.1:m.12030A>G (YP_003024035.1:p.Asn424Ser) variant in MTND4 gene is interpretated to be a Benign variant based on the modified ACMG guidelines (unpublished). This variant meets the following evidence codes: BS1, BS2, BP4